The following continues an entry in ClinVar:

NM_000543.5(SMPD1):c.1624C>T (p.Arg542Ter)

Gene: SMPD1. ClinVar aggregate classification (germline): Pathogenic. Pathogenic (19).

Submissions 10 to 22 of 22:

Foundation for Research in Genetics and Endocrinology, FRIGE's Institute of Human Genetics
Classification: Pathogenic for Niemann-Pick disease, type B. Last evaluated: 2021-01-08. Review status: criteria provided, single submitter. Criteria: ACMG Guidelines, 2015. Collection method: clinical testing. Allele origin: germline. Inheritance: Autosomal recessive inheritance. Affected: yes. Observed: 1 compound heterozygote.
Comment: A heterozygous missense variation in exon 6 of the SMPD1 gene that results in a stop codon and premature truncation of the protein at codon 2482 was detected. The observed variant c.1624C>T (p.Arg542Ter) has not been reported in the 1000 genomes and has a MAF of 0.006% in the gnomAD databases. The in silico prediction of the variant is disease causing by DANN and MutationTaster. In summary, the variant meets our criteria to be classified as likely pathogenic.

Broad Center for Mendelian Genomics, Broad Institute of MIT and Harvard
Classification: Pathogenic for Sphingomyelin/cholesterol lipidosis. Last evaluated: 2020-01-22. Review status: criteria provided, single submitter. Criteria: ACMG Guidelines, 2015. Collection method: curation. Allele origin: germline. Inheritance: Autosomal recessive inheritance.
Comment: The p.Arg542Ter variant in SMPD1 (also known as p.Arg540Ter due to a difference in cDNA numbering) has been reported in at least 14 individuals with Niemann-Pick disease (PMID: 22796693, 31139477, 27338287) and has been identified in 0.049% (15/30616) of South Asian chromosomes and 0.002% (1/113642) of European (non-Finnish) chromosomes by the Genome Aggregation Database (gnomAD; dbSNP rs398123478). Although this variant has been seen in the general population, its frequency is low enough to be consistent with a recessive carrier frequency. This variant has also been reported on ClinVar (VariationID: 93318) as Pathogenic by EGL Genetic Diagnostics and Invitae. This nonsense variant leads to a premature termination codon at position 542. This alteration occurs within the last exon and is more likely to escape nonsense mediated decay (NMD) and result in a truncated protein without the C-terminus region, which is critical to protein function (PMID: 21098024, 18052040). Loss of function of the SMPD1 gene is an established disease mechanism in autosomal recessive Niemann-Pick disease. The presence of this variant in at least 11 affected homozygotes and in combination with reported pathogenic variants in 3 individuals with Niemann-Pick disease increases the likelihood that the p.Arg542Ter variant is pathogenic (PMID: 22796693, 31139477, 27338287). The phenotype of individuals homozygous and compound heterozygous for this variant is highly specific for Niemann-Pick disease based on acid sphingomyelinase activity being less than 10% of normal, consistent with disease (PMID: 27338287, 22796693). In summary, this variant meets criteria to be classified as pathogenic for Niemann-Pick disease in an autosomal recessive manner based on the predicted impact of the variant and multiple occurrences in the homozygous state and with pathogenic variants in affected individuals. ACMG/AMP Criteria applied: PVS1_strong, PM3_strong, PP4, PM2_supporting (Richards 2015).

Laboratorio de Genetica e Diagnostico Molecular, Hospital Israelita Albert Einstein
Classification: Pathogenic. Last evaluated: 2019-11-29. Review status: criteria provided, single submitter. Criteria: ACMG Guidelines, 2015. Collection method: clinical testing. Allele origin: germline. Affected: yes.
Comment: ACMG classification criteria: PVS1, PS4, PM2, PM3

Women's Health and Genetics/Laboratory Corporation of America, LabCorp
Classification: Pathogenic for Niemann-Pick disease, type A. Last evaluated: 2019-04-29. Review status: criteria provided, single submitter. Criteria: LabCorp Variant Classification Summary - May 2015. Collection method: clinical testing. Allele origin: germline.
Comment: Variant summary: SMPD1 c.1624C>T (p.Arg542X) results in a premature termination codon, predicted to cause a truncation of the encoded protein or absence of the protein due to nonsense mediated decay, which are commonly known mechanisms for disease. The variant allele was found at a frequency of 6.4e-05 in 251346 control chromosomes, predominantly at a frequency of 0.00049 within the South Asian subpopulation in the gnomAD database. This frequency is not higher than expected for a pathogenic variant in SMPD1 causing Niemann-Pick Disease Type A (0.00049 vs 0.0022). c.1624C>T has been reported in the literature in multiple individuals affected with Niemann-Pick Disease Type A (Ranganath_2016). These data indicate that the variant is very likely to be associated with disease. Two ClinVar submitters (evaluation after 2014) cite the variant as pathogenic. Based on the evidence outlined above, the variant was classified as pathogenic.

Eurofins Ntd Llc (ga)
Classification: Pathogenic. Last evaluated: 2017-02-17. Review status: criteria provided, single submitter. Criteria: EGL Classification Definitions. Collection method: clinical testing. Allele origin: germline. Observed: 6 variant alleles, 5 heterozygotes, 1 homozygote.

Baylor Genetics
Classification: Pathogenic for Niemann-Pick disease, type A. Review status: criteria provided, single submitter. Criteria: ACMG Guidelines, 2015. Collection method: clinical testing. Allele origin: germline.

CENTOGENE GmbH and LLC - Guiding Precision Medicine
Classification: Pathogenic for Niemann-Pick disease, type A; Niemann-Pick disease, type B. Review status: criteria provided, single submitter. Criteria: ACMG Guidelines, 2015. Collection method: clinical testing. Allele origin: germline. Affected: yes.

CENTOGENE GmbH and LLC - Guiding Precision Medicine
Classification: Pathogenic for Niemann-Pick disease, type B. Review status: criteria provided, single submitter. Criteria: ACMG Guidelines, 2015. Collection method: clinical testing. Allele origin: germline. Affected: yes.

Juno Genomics, Hangzhou Juno Genomics, Inc
Classification: Pathogenic for Niemann-Pick disease, type A; Niemann-Pick disease, type B. Review status: criteria provided, single submitter. Criteria: ACMG Guidelines, 2015. Collection method: clinical testing. Allele origin: germline.
Comment: Absent from controls (or at extremely low frequency if recessive) in Genome Aggregation Database.;Null variant in a gene where loss of function (LOF) is a known mechanism of disease.;For recessive disorders, detected in trans with a pathogenic variant.;Patient's phenotype or family history is highly specific for a disease with a single genetic etiology.

Neuberg Centre For Genomic Medicine, NCGM
Classification: Pathogenic for Niemann-Pick disease, type C1. Review status: criteria provided, single submitter. Criteria: ACMG Guidelines, 2015. Collection method: clinical testing. Allele origin: germline. Inheritance: Autosomal recessive inheritance. Affected: yes.

Counsyl
Classification: Likely pathogenic for Niemann-Pick disease, type A. Last evaluated: 2015-04-24. Review status: no assertion criteria provided. Collection method: clinical testing. Allele origin: unknown. Not counted in ClinVar's aggregate classification.

Counsyl
Classification: Likely pathogenic for Niemann-Pick disease, type B. Last evaluated: 2015-04-24. Review status: no assertion criteria provided. Collection method: clinical testing. Allele origin: unknown. Not counted in ClinVar's aggregate classification.

Hong-Tao Li Lab, Institute of Brain Science and Brain-inspired Research, Shandong First Medical University & Shandong Academy of Medical Sciences China
Classification: Pathogenic for Niemann-Pick disease, type A. Review status: no assertion criteria provided. Collection method: research. Allele origin: germline. Inheritance: Autosomal recessive inheritance. Affected: yes. Observed: 1 variant allele, 1 heterozygote. Not counted in ClinVar's aggregate classification.
Comment: Observed in affected individuals from a Pakistani neurodevelopmental-disorder research cohort of 263 individuals. Classification assigned using the ACMG/AMP framework. Population-frequency evidence: gnomAD AF 6.366e-05.

Literature cited by the submitters: PubMed 22796693 (cited by 4 submitters); PubMed 23188845 (cited by 5 submitters); PubMed 27338287 (cited by 4 submitters); PubMed 37597066 (cited by Natera, Inc.); PubMed 31139477 (cited by Broad Center for Mendelian Genomics, Broad Institute of MIT and Harvard); PubMed 32860008 (cited by CENTOGENE GmbH and LLC - Guiding Precision Medicine).